The following is an entry in ClinVar:

NM_024598.4(USB1):c.656G>A (p.Arg219His)

Gene: USB1 (U6 snRNA biogenesis phosphodiesterase 1; plus strand). Cytogenetic location: 16q21.
Variant type: single nucleotide variant.
Coding change: c.656G>A on transcript NM_024598.4 (MANE Select); coding-DNA position 656, G replaced by A.
Protein change: p.Arg219His; replaces arginine 219 with histidine.
Molecular consequence: missense variant.
Genome position (GRCh38, 1-based): chr16:58,019,018, G>A. VCF-style: chr16-58019018-G-A. GRCh37 (hg19) VCF-style: chr16-58052922-G-A.
Other names: c.602G>A, p.Arg201His (NM_001195302.2); c.503G>A, p.Arg168His (NM_001330568.2); short protein forms R168H, R201H, R219H.
Identifiers: ClinVar variation 1429668 (VCV001429668.7), dbSNP rs757982322, ClinGen allele CA8085007.

ClinVar aggregate classification (germline): Uncertain significance (1 of 4 stars; one submission).

Allele frequency attached by ClinVar (database versions not stated): ExAC 0.00002; gnomAD 0.00001; TOPMed 0.00001; gnomAD exomes 0.00002.

Submission:

Labcorp Genetics (formerly Invitae), Labcorp
Classification: Uncertain significance. Last evaluated: 2024-08-28. Review status: criteria provided, single submitter. Criteria: Invitae Variant Classification Sherloc (09022015). Collection method: clinical testing. Allele origin: germline.
Comment: This sequence change replaces arginine, which is basic and polar, with histidine, which is basic and polar, at codon 219 of the USB1 protein (p.Arg219His). This variant is present in population databases (rs757982322, gnomAD 0.006%). This variant has not been reported in the literature in individuals affected with USB1-related conditions. ClinVar contains an entry for this variant (Variation ID: 1429668). Invitae Evidence Modeling of protein sequence and biophysical properties (such as structural, functional, and spatial information, amino acid conservation, physicochemical variation, residue mobility, and thermodynamic stability) indicates that this missense variant is not expected to disrupt USB1 protein function with a negative predictive value of 80%. In summary, the available evidence is currently insufficient to determine the role of this variant in disease. Therefore, it has been classified as a Variant of Uncertain Significance.